The following is an entry in ClinVar:

NM_138694.4(PKHD1):c.1157del (p.Asn386fs)

Gene: PKHD1 (PKHD1 ciliary IPT domain containing fibrocystin/polyductin; minus strand). Cytogenetic location: 6p12.2.
Variant type: Deletion.
Coding change: c.1157del on transcript NM_138694.4 (MANE Select); coding-DNA position 1157, one base deleted (A; older notation c.1157delA).
Protein change: p.Asn386fs; shifts the reading frame from asparagine 386.
Molecular consequence: frameshift variant.
Genome position (GRCh38, 1-based): chr6:52,060,004, T deleted on the plus strand (A on the coding strand, the reverse complement: PKHD1 is on the minus strand); the first of 3 consecutive T bases (chr6:52,060,004-52,060,006); deleting any one gives the same sequence. VCF-style (leftmost placement, unchanged base first): chr6-52060003-AT-A. GRCh37 (hg19) VCF-style: chr6-51924801-AT-A.
Other names: c.1157del, p.Asn386fs (NM_170724.3); short protein forms N386fs.
Identifiers: ClinVar variation 1436909 (VCV001436909.6), dbSNP rs2128215604, ClinGen allele CA2573140954.

ClinVar aggregate classification (germline): Pathogenic (1 of 4 stars; one submission).

Conditions:
Autosomal recessive polycystic kidney disease (ARPKD). Also called: AR polycystic kidney disease. Identifiers: Orphanet 731, Orphanet 8378, MedGen C0085548, MeSH D017044, MONDO:0009889.

Submission:

Labcorp Genetics (formerly Invitae), Labcorp
Classification: Pathogenic for Autosomal recessive polycystic kidney disease. Last evaluated: 2021-04-10. Review status: criteria provided, single submitter. Criteria: Invitae Variant Classification Sherloc (09022015). Collection method: clinical testing. Allele origin: germline.
Comment: For these reasons, this variant has been classified as Pathogenic. This variant has not been reported in the literature in individuals with PKHD1-related conditions. This variant is not present in population databases (ExAC no frequency). This sequence change creates a premature translational stop signal (p.Asn386Ilefs*27) in the PKHD1 gene. It is expected to result in an absent or disrupted protein product. Loss-of-function variants in PKHD1 are known to be pathogenic (PMID: 19940839).

Literature cited by the submitters: PubMed 19940839.